The following is an entry in ClinVar:

ClinVar aggregate classification (germline): Likely benign (1 of 4 stars; one submission).

gnomAD v4.1: 9 of 1,608,302 alleles (0.00056%); highest among the groups gnomAD compares: Non-Finnish European, 0.00076%; no homozygotes.

Submission:

CeGaT Center for Human Genetics Tuebingen
Classification: Likely benign. Last evaluated: 2025-12-01. Review status: criteria provided, single submitter. Criteria: CeGaT Center For Human Genetics Tuebingen Variant Classification Criteria Version 2. Collection method: clinical testing. Allele origin: germline. Affected: yes. Observed: 1 variant allele.
Comment: CHCHD10: BP4, BP7

NM_213720.3(CHCHD10):c.225G>A (p.Gly75=)

Gene: CHCHD10 (coiled-coil-helix-coiled-coil-helix domain containing 10; minus strand). Cytogenetic location: 22q11.23.
Variant type: single nucleotide variant.
Coding change: c.225G>A on transcript NM_213720.3 (MANE Select); coding-DNA position 225, G replaced by A.
Protein change: p.Gly75=; no amino-acid change (glycine 75 retained).
Molecular consequence: synonymous variant. On other transcripts: non-coding transcript variant (1).
Genome position (GRCh38, 1-based): chr22:23,767,410, C>T on the plus strand (G>A on the coding strand, the complement: CHCHD10 is on the minus strand). VCF-style: chr22-23767410-C-T. GRCh37 (hg19) VCF-style: chr22-24109597-C-T.
Other names: c.225G>A, p.Gly75= (NM_001301339.2).
Identifiers: ClinVar variation 4681718 (VCV004681718.5).